The following is an entry in ClinVar:

NM_000271.5(NPC1):c.416C>T (p.Thr139Ile)

Gene: NPC1 (NPC intracellular cholesterol transporter 1; minus strand). Cytogenetic location: 18q11.2.
Variant type: single nucleotide variant.
Coding change: c.416C>T on transcript NM_000271.5 (MANE Select); coding-DNA position 416, C replaced by T.
Protein change: p.Thr139Ile; replaces threonine 139 with isoleucine.
Molecular consequence: missense variant.
Genome position (GRCh38, 1-based): chr18:23,568,870, G>A on the plus strand (C>T on the coding strand, the complement: NPC1 is on the minus strand). VCF-style: chr18-23568870-G-A. GRCh37 (hg19) VCF-style: chr18-21148834-G-A.
Other names: short protein forms T139I.
Identifiers: ClinVar variation 1898700 (VCV001898700.4), dbSNP rs2511340919, ClinGen allele CA401785038.

ClinVar aggregate classification (germline): Uncertain significance (1 of 4 stars; one submission).

Conditions:
Niemann-Pick disease, type C1. Also called: NIEMANN-PICK DISEASE, VARIANT TYPE C1; NEUROVISCERAL STORAGE DISEASE WITH VERTICAL SUPRANUCLEAR OPHTHALMOPLEGIA; NIEMANN-PICK DISEASE WITH CHOLESTEROL ESTERIFICATION BLOCK; NIEMANN-PICK DISEASE WITHOUT SPHINGOMYELINASE DEFICIENCY; NIEMANN-PICK DISEASE, CHRONIC NEURONOPATHIC FORM. Identifiers: Orphanet 646, MedGen C3179455, MONDO:0009757, OMIM 257220.

Submission:

Labcorp Genetics (formerly Invitae), Labcorp
Classification: Uncertain significance for Niemann-Pick disease, type C1. Last evaluated: 2022-07-03. Review status: criteria provided, single submitter. Criteria: Invitae Variant Classification Sherloc (09022015). Collection method: clinical testing. Allele origin: germline.
Comment: In summary, the available evidence is currently insufficient to determine the role of this variant in disease. Therefore, it has been classified as a Variant of Uncertain Significance. This sequence change replaces threonine, which is neutral and polar, with isoleucine, which is neutral and non-polar, at codon 139 of the NPC1 protein (p.Thr139Ile). This variant is not present in population databases (gnomAD no frequency). This variant has not been reported in the literature in individuals affected with NPC1-related conditions. Advanced modeling of protein sequence and biophysical properties (such as structural, functional, and spatial information, amino acid conservation, physicochemical variation, residue mobility, and thermodynamic stability) performed at Invitae indicates that this missense variant is not expected to disrupt NPC1 protein function.